The following is an entry in ClinVar:

NM_001267550.2(TTN):c.19547A>T (p.Lys6516Met)

Gene: TTN (titin; minus strand). Cytogenetic location: 2q31.2.
Variant type: single nucleotide variant.
Coding change: c.19547A>T on transcript NM_001267550.2 (MANE Select); coding-DNA position 19547, A replaced by T.
Protein change: p.Lys6516Met; replaces lysine 6516 with methionine.
Molecular consequence: missense variant. On other transcripts: intron variant (3).
Genome position (GRCh38, 1-based): chr2:178,728,277, T>A on the plus strand (A>T on the coding strand, the complement: TTN is on the minus strand). VCF-style: chr2-178728277-T-A. GRCh37 (hg19) VCF-style: chr2-179593004-T-A.
Other names: p.K6199M:AAG>ATG; p.Lys5272Met; c.18596A>T, p.Lys6199Met (NM_001256850.1); c.15815A>T, p.Lys5272Met (NM_133378.4); c.13282+9805A>T (NM_003319.4); c.13858+9805A>T (NM_133437.4); c.13657+9805A>T (NM_133432.3); short protein forms K5272M, K6516M, K6199M.
Identifiers: ClinVar variation 192021 (VCV000192021.53), dbSNP rs199796249, ClinGen allele CA302511.
Genomic context (GRCh38, chr2:178,728,277, plus strand): 5'-ACAGATCTCTCATGGCACACAAGTCTGTATTTTGCACTTGTAGATATTTCTTTTCCATCC[T>A]TAAACCACTGAGCACTAATGGGAAGTGAACCAGACACCTTGCACTCCATATGAATAGAAG-3'
Protein context (NP_001254479.2, residues 6506-6526): GSLPISAQWF[Lys6516Met]DGKEISTSAK

ClinVar aggregate classification (germline): Conflicting classifications of pathogenicity. Review status: criteria provided, conflicting classifications (1 of 4 stars). 17 submissions from 13 submitters: Uncertain significance (10); Benign (2); Likely benign (5). Last evaluated 2025-10-01.

Conditions:
TTN-related disorder. Also called: TTN-related condition; TTN-related disease; TTN-related disorders.
Dilated cardiomyopathy 1G (CMD1G). Identifiers: Orphanet 154, MedGen C1858763, MONDO:0011400, OMIM 604145.
Autosomal recessive limb-girdle muscular dystrophy type 2J (LGMDR10). Also called: Limb-girdle muscular dystrophy, type 2J; MUSCULAR DYSTROPHY, LIMB-GIRDLE, AUTOSOMAL RECESSIVE 10. Identifiers: Orphanet 140922, MedGen C1837342, MONDO:0012127, OMIM 608807.
Cardiomyopathy (CMYO). Also called: Cardiomyopathies. Identifiers: Orphanet 167848, MedGen C0878544, MONDO:0004994, HP:0001638. Inheritance: Various modes of inheritance.
Early-onset myopathy with fatal cardiomyopathy (CMYO5). Also called: CONGENITAL MYOPATHY 5 WITH CARDIOMYOPATHY; Salih Myopathy. Identifiers: Orphanet 289377, MedGen C2673677, MONDO:0012714, OMIM 611705. Disease mechanism: loss of function.
Tibial muscular dystrophy (TMD). Also called: Udd Distal Myopathy – Tibial Muscular Dystrophy; Tibial muscular dystrophy, tardive; UDD MYOPATHY. Identifiers: Orphanet 609, MedGen C1838244, MONDO:0010870, OMIM 600334.
Myopathy, myofibrillar, 9, with early respiratory failure (MFM9). Also called: EDSTROM MYOPATHY; MYOPATHY, PROXIMAL, WITH EARLY RESPIRATORY MUSCLE INVOLVEMENT; Hereditary myopathy with early respiratory failure; Myopathy, distal, with early respiratory failure, autosomal dominant. Identifiers: Orphanet 178464, Orphanet 34521, MedGen C1863599, MONDO:0011362, OMIM 603689.

Allele frequency attached by ClinVar (database versions not stated): ExAC 0.00013; gnomAD exomes 0.00015 and 0.00036; gnomAD 0.00025; TOPMed 0.00025; ESP Exome Variant Server 0.00067.
gnomAD v4.1: 596 of 1,613,184 alleles (0.037%); highest among the groups gnomAD compares: Non-Finnish European, 0.046%; no homozygotes.

Submissions (17):

PreventionGenetics, part of Exact Sciences
Classification: Likely benign for TTN-related condition. Last evaluated: 2025-10-01. Review status: criteria provided, single submitter. Criteria: ACMG Guidelines, 2015. Collection method: clinical testing. Allele origin: germline.
Comment: This variant is classified as likely benign based on ACMG/AMP sequence variant interpretation guidelines (Richards et al. 2015 PMID: 25741868, with internal and published modifications).

CeGaT Center for Human Genetics Tuebingen
Classification: Uncertain significance. Last evaluated: 2025-07-01. Review status: criteria provided, single submitter. Criteria: CeGaT Center For Human Genetics Tuebingen Variant Classification Criteria Version 2. Collection method: clinical testing. Allele origin: germline. Affected: yes. Observed: 4 variant alleles.
Comment: TTN: PM2:Supporting, BP4

Molecular Diagnostic Laboratory for Inherited Cardiovascular Disease, Montreal Heart Institute
Classification: Likely benign. Last evaluated: 2025-04-09. Review status: criteria provided, single submitter. Criteria: ACMG Guidelines, 2015. Collection method: clinical testing. Allele origin: germline. Affected: no.

Blueprint Genetics
Classification: Likely benign. Last evaluated: 2024-10-04. Review status: criteria provided, single submitter. Criteria: ACMG Guidelines, 2015. Collection method: clinical testing. Allele origin: germline.

Revvity Omics, Revvity
Classification: Uncertain significance. Last evaluated: 2023-12-26. Review status: criteria provided, single submitter. Criteria: ACMG Guidelines, 2015. Collection method: clinical testing. Allele origin: germline.

CHEO Genetics Diagnostic Laboratory, Children's Hospital of Eastern Ontario
Classification: Likely benign for Cardiomyopathy. Last evaluated: 2022-12-01. Review status: criteria provided, single submitter. Criteria: ACMG Guidelines, 2015. Collection method: clinical testing. Allele origin: germline.

ARUP Laboratories, Molecular Genetics and Genomics, ARUP Laboratories
Classification: Uncertain significance. Last evaluated: 2022-03-17. Review status: criteria provided, single submitter. Criteria: ARUP Molecular Germline Variant Investigation Process 2021. Collection method: clinical testing. Allele origin: germline.
Comment: The TTN c.15815A>T; p.Lys5272Met variant (rs199796249; ClinVar Variation ID: 192021) is rare in the general population (<1% allele frequency in the Genome Aggregation Database) and has not been reported in the medical literature in association with dilated cardiomyopathy (DCM) or other TTN-related disease. The clinical relevance of rare missense variants in this gene, which are identified on average once per individual sequenced in affected populations (Herman 2012), is not well understood. Yet, evidence suggests that the vast majority of such missense variants do not contribute to the clinical outcome of DCM (Begay 2015). Thus, the clinical significance of the p.Lys5272Met variant cannot be determined with certainty.

Mayo Clinic Laboratories, Mayo Clinic
Classification: Uncertain significance. Last evaluated: 2021-07-26. Review status: criteria provided, single submitter. Criteria: ACMG Guidelines, 2015. Collection method: clinical testing. Allele origin: germline.

GeneDx
Classification: Likely benign. Last evaluated: 2020-10-15. Review status: criteria provided, single submitter. Criteria: GeneDx Variant Classification Process June 2021. Collection method: clinical testing. Allele origin: germline. Affected: yes.

Illumina Laboratory Services, Illumina
Classification: Benign for Myopathy, myofibrillar, 9, with early respiratory failure. Last evaluated: 2018-01-13. Review status: criteria provided, single submitter. Criteria: ICSL Variant Classification Criteria 13 December 2019. Collection method: clinical testing. Allele origin: germline.
Comment: This variant was observed in the ICSL laboratory as part of a predisposition screen in an ostensibly healthy population. It had not been previously curated by ICSL or reported in the Human Gene Mutation Database (HGMD: prior to June 1st, 2018), and was therefore a candidate for classification through an automated scoring system. Utilizing variant allele frequency, disease prevalence and penetrance estimates, and inheritance mode, an automated score was calculated to assess if this variant is too frequent to cause the disease. Based on the score and internal cut-off values, a variant classified as benign is not then subjected to further curation. The score for this variant resulted in a classification of benign for this disease.

Illumina Laboratory Services, Illumina
Classification: Uncertain significance for Early-onset myopathy with fatal cardiomyopathy. Last evaluated: 2018-01-13. Review status: criteria provided, single submitter. Criteria: ICSL Variant Classification Criteria 13 December 2019. Collection method: clinical testing. Allele origin: germline.

Illumina Laboratory Services, Illumina
Classification: Uncertain significance for Dilated cardiomyopathy 1G. Last evaluated: 2018-01-13. Review status: criteria provided, single submitter. Criteria: ICSL Variant Classification Criteria 13 December 2019. Collection method: clinical testing. Allele origin: germline.

Illumina Laboratory Services, Illumina
Classification: Benign for Tibial muscular dystrophy. Last evaluated: 2018-01-13. Review status: criteria provided, single submitter. Criteria: ICSL Variant Classification Criteria 13 December 2019. Collection method: clinical testing. Allele origin: germline.
Comment: the same text as in the submission from Illumina Laboratory Services, Illumina above.

Illumina Laboratory Services, Illumina
Classification: Uncertain significance for Autosomal recessive limb-girdle muscular dystrophy type 2J. Last evaluated: 2018-01-13. Review status: criteria provided, single submitter. Criteria: ICSL Variant Classification Criteria 13 December 2019. Collection method: clinical testing. Allele origin: germline.

Labcorp Genetics (formerly Invitae), Labcorp
Classification: Uncertain significance for Dilated cardiomyopathy 1G; Autosomal recessive limb-girdle muscular dystrophy type 2J. Last evaluated: 2017-10-05. Review status: criteria provided, single submitter. Criteria: Invitae Variant Classification Sherloc (09022015). Collection method: clinical testing. Allele origin: germline.

Eurofins Ntd Llc (ga)
Classification: Uncertain significance. Last evaluated: 2016-11-29. Review status: criteria provided, single submitter. Criteria: EGL Classification Definitions 2015. Collection method: clinical testing. Allele origin: germline. Observed: 3 variant alleles, 3 heterozygotes.

Biesecker Lab/Clinical Genomics Section, National Institutes of Health
Classification: Uncertain significance. Last evaluated: 2013-06-24. Review status: criteria provided, single submitter. Criteria: Ng et al. (Circ Cardiovasc Genet. 2013). Collection method: research. Allele origin: unknown. Observed: 1 variant allele. Study: ClinSeq.
Comment: The study set was not selected for affection status in relation to any cancer. Pathogenicity categories were based on literature curation. See Pubmed ID:23861362 for details.

Medical sequencing